The following is an entry in ClinVar:

NM_021625.5(TRPV4):c.947G>T (p.Arg316Leu)

Gene: TRPV4 (transient receptor potential cation channel subfamily V member 4; minus strand). Cytogenetic location: 12q24.11.
Variant type: single nucleotide variant.
Coding change: c.947G>T on transcript NM_021625.5 (MANE Select); coding-DNA position 947, G replaced by T.
Protein change: p.Arg316Leu; replaces arginine 316 with leucine.
Molecular consequence: missense variant.
Genome position (GRCh38, 1-based): chr12:109,798,819, C>A on the plus strand (G>T on the coding strand, the complement: TRPV4 is on the minus strand). VCF-style: chr12-109798819-C-A. GRCh37 (hg19) VCF-style: chr12-110236624-C-A.
Other names: c.806G>T, p.Arg269Leu (NM_001177428.2, NM_001177433.2); c.845G>T, p.Arg282Leu (NM_001177431.2); c.947G>T, p.Arg316Leu (NM_147204.3); short protein forms R269L, R316L, R282L.
Identifiers: ClinVar variation 1522581 (VCV001522581.6), dbSNP rs387906905, ClinGen allele CA386654855.

ClinVar aggregate classification (germline): Likely pathogenic (1 of 4 stars; one submission).

Conditions:
Charcot-Marie-Tooth disease axonal type 2C (HMSN2C). Also called: Charcot-Marie-Tooth Disease Type 2, TRPV4-Related (CMT2C); CHARCOT-MARIE-TOOTH DISEASE, AXONAL, AUTOSOMAL DOMINANT, TYPE 2C; Charcot-Marie-Tooth Neuropathy Type 2C. Identifiers: Orphanet 99937, MedGen C1853710, MONDO:0011633, OMIM 606071.

Submission:

Labcorp Genetics (formerly Invitae), Labcorp
Classification: Likely pathogenic for Charcot-Marie-Tooth disease axonal type 2C. Last evaluated: 2021-11-09. Review status: criteria provided, single submitter. Criteria: Invitae Variant Classification Sherloc (09022015). Collection method: clinical testing. Allele origin: germline.
Comment: This sequence change replaces arginine, which is basic and polar, with leucine, which is neutral and non-polar, at codon 316 of the TRPV4 protein (p.Arg316Leu). This variant is not present in population databases (gnomAD no frequency). In summary, the currently available evidence indicates that the variant is pathogenic, but additional data are needed to prove that conclusively. Therefore, this variant has been classified as Likely Pathogenic. This variant disrupts the p.Arg316 amino acid residue in TRPV4. Other variant(s) that disrupt this residue have been determined to be pathogenic (PMID: 20037587, 20037588, 21454511, 24789864). This suggests that this residue is clinically significant, and that variants that disrupt this residue are likely to be disease-causing. Advanced modeling of protein sequence and biophysical properties (such as structural, functional, and spatial information, amino acid conservation, physicochemical variation, residue mobility, and thermodynamic stability) performed at Invitae indicates that this missense variant is expected to disrupt TRPV4 protein function. This missense change has been observed in individual(s) with clinical features of TRPV4-related conditions (Invitae).

Literature cited by the submitters: PubMed 20037587; PubMed 20037588; PubMed 21454511; PubMed 24789864.